The following is an entry in ClinVar:

ClinVar aggregate classification (germline): Likely benign. Review status: criteria provided, multiple submitters, no conflicts (2 of 4 stars). 3 submissions from 3 submitters: Likely benign (3). Last evaluated 2026-02-16.

Conditions:
MED13L-related disorder. Also called: MED13L-related condition.
Dextro-looped transposition of the great arteries. Also called: Dextrotransposition of the great arteries. Identifiers: Orphanet 860, MedGen C3531771, MONDO:0019443, OMIM 608808, HP:0031348.

gnomAD v4.1: 25 of 1,611,426 alleles (0.0016%); highest among the groups gnomAD compares: Non-Finnish European, 0.002%; no homozygotes.

Submissions (3):

PreventionGenetics, part of Exact Sciences
Classification: Likely benign for MED13L-related condition. Last evaluated: 2026-02-16. Review status: criteria provided, single submitter. Criteria: ACMG Guidelines, 2015. Collection method: clinical testing. Allele origin: germline.
Comment: This variant is classified as likely benign based on ACMG/AMP sequence variant interpretation guidelines (Richards et al. 2015 PMID: 25741868, with internal and published modifications).

Labcorp Genetics (formerly Invitae), Labcorp
Classification: Likely benign for Dextro-looped transposition of the great arteries. Last evaluated: 2025-06-02. Review status: criteria provided, single submitter. Criteria: Invitae Variant Classification Sherloc (09022015). Collection method: clinical testing. Allele origin: germline.

Blueprint Genetics
Classification: Likely benign. Last evaluated: 2021-02-18. Review status: criteria provided, single submitter. Criteria: ACMG Guidelines, 2015. Collection method: clinical testing. Allele origin: germline.

NM_015335.5(MED13L):c.375G>A (p.Ala125=)

Gene: MED13L (mediator complex subunit 13L; minus strand). Cytogenetic location: 12q24.21.
Variant type: single nucleotide variant.
Coding change: c.375G>A on transcript NM_015335.5 (MANE Select); coding-DNA position 375, G replaced by A.
Protein change: p.Ala125=; no amino-acid change (alanine 125 retained).
Molecular consequence: synonymous variant.
Genome position (GRCh38, 1-based): chr12:116,111,448, C>T on the plus strand (G>A on the coding strand, the complement: MED13L is on the minus strand). VCF-style: chr12-116111448-C-T. GRCh37 (hg19) VCF-style: chr12-116549253-C-T.
Other names: c.375G>A (NM_015335.4).
Identifiers: ClinVar variation 4706093 (VCV004706093.3).
Genomic context (GRCh38, chr12:116,111,448, plus strand): 5'-TGGTTGTCTGCAAACCACTGTCTGCTGTTCCTTCTCTTACCTTTCTAACAGATTGTGGAT[C>T]GCTTTGAAGAGCAGCGTCCTACATTCATAGGAAAGGCCATTTTCCCAGAGTCCTTCTTCC-3'
Protein context (NP_056150.1, residues 115-135): SYECRTLLFK[Ala125=]IHNLLERCLM